The following is an entry in ClinVar:

NM_002161.6(IARS1):c.3693G>C (p.Glu1231Asp)

Gene: IARS1 (isoleucyl-tRNA synthetase 1; minus strand). Cytogenetic location: 9q22.31.
Variant type: single nucleotide variant.
Coding change: c.3693G>C on transcript NM_002161.6 (MANE Select); coding-DNA position 3693, G replaced by C.
Protein change: p.Glu1231Asp; replaces glutamic acid 1231 with aspartic acid.
Molecular consequence: missense variant. On other transcripts: non-coding transcript variant (1), intron variant (1).
Genome position (GRCh38, 1-based): chr9:92,222,533, C>G on the plus strand (G>C on the coding strand, the complement: IARS1 is on the minus strand). VCF-style: chr9-92222533-C-G. GRCh37 (hg19) VCF-style: chr9-94984815-C-G.
Other names: c.3618G>C, p.Glu1206Asp (NM_001374299.1, NM_001374300.1); c.3609G>C, p.Glu1203Asp (NM_001374301.1); c.3756G>C, p.Glu1252Asp (NM_001378569.1); c.3714G>C, p.Glu1238Asp (NM_001378571.1, NM_001378572.1); c.3693G>C, p.Glu1231Asp (NM_001378573.1, NM_001378574.1, NM_001378575.1 and 2 more transcripts); c.3651G>C, p.Glu1217Asp (NM_001378577.1); c.3633G>C, p.Glu1211Asp (NM_001378578.1, NM_001378579.1, NM_001378580.1); c.3597G>C, p.Glu1199Asp (NM_001378582.1); and 4 more; short protein forms E1199D, E1206D, E1211D, E1252D, E1231D, E1186D, E1217D, E1238D.
Identifiers: ClinVar variation 1033899 (VCV001033899.1), dbSNP rs757811684, ClinGen allele CA5121791.
Genomic context (GRCh38, chr9:92,222,533, plus strand): 5'-TCTACTTTCAACAAAAATAAAAAACTTACGGTCCACAATCTCCTTACCCTGCGTTTGGGT[C>G]TCATTCAGAAACAGCTTTAGCTTCCTGCTCCGAAGGCCAAACACCTTGGCTGCTTCATAC-3'
Protein context (NP_002152.2, residues 1221-1241): RSRKLKLFLN[Glu1231Asp]TQTQEITEDI

ClinVar aggregate classification (germline): Uncertain significance (1 of 4 stars; one submission).

Conditions:
Growth retardation, intellectual developmental disorder, hypotonia, and hepatopathy (GRIDHH). Also called: GROWTH RETARDATION, IMPAIRED INTELLECTUAL DEVELOPMENT, HYPOTONIA, AND HEPATOPATHY. Identifiers: Orphanet 541423, MedGen C4310720, MONDO:0014911, OMIM 617093.

Allele frequency attached by ClinVar (database versions not stated): gnomAD exomes below 0.00001; ExAC 0.00001.

Submission:

Baylor Genetics
Classification: Uncertain significance for Growth retardation, intellectual developmental disorder, hypotonia, and hepatopathy. Last evaluated: 2018-05-21. Review status: criteria provided, single submitter. Criteria: ACMG Guidelines, 2015. Collection method: clinical testing. Allele origin: unknown. Affected: yes.
Comment: This variant was determined to be of uncertain significance according to ACMG Guidelines, 2015 [PMID:25741868].